The following is an entry in ClinVar:

NM_001267550.2(TTN):c.48781G>A (p.Asp16261Asn)

Genes: TTN (titin; minus strand), TTN-AS1 (TTN antisense RNA 1; plus strand), LOC126806426 (BRD4-independent group 4 enhancer GRCh37_chr2:179478848-179480047; plus strand). Cytogenetic location: 2q31.2.
Variant type: single nucleotide variant.
Coding change: c.48781G>A on transcript NM_001267550.2 (MANE Select); coding-DNA position 48781, G replaced by A.
Protein change: p.Asp16261Asn; replaces aspartic acid 16261 with asparagine.
Molecular consequence: missense variant. On other transcripts: non-coding transcript variant (1).
Genome position (GRCh38, 1-based): chr2:178,614,733, C>T on the plus strand (G>A on the coding strand, the complement: TTN is on the minus strand). VCF-style: chr2-178614733-C-T. GRCh37 (hg19) VCF-style: chr2-179479460-C-T.
Other names: c.43858G>A, p.Asp14620Asn (NM_001256850.1); c.21586G>A, p.Asp7196Asn (NM_003319.4); c.41077G>A, p.Asp13693Asn (NM_133378.4); c.21961G>A, p.Asp7321Asn (NM_133432.3); c.22162G>A, p.Asp7388Asn (NM_133437.4); short protein forms D14620N, D16261N, D7196N, D7321N, D7388N, D13693N.
Identifiers: ClinVar variation 509581 (VCV000509581.3), dbSNP rs764203042, ClinGen allele CA1994743.

ClinVar aggregate classification (germline): Conflicting classifications of pathogenicity. Review status: criteria provided, conflicting classifications (1 of 4 stars). 3 submissions from 3 submitters: Uncertain significance (1); Likely benign (2). Last evaluated 2026-04-14.

Conditions:
TTN-related disorder. Also called: TTN-related condition; TTN-related disease; TTN-related disorders.

Allele frequency attached by ClinVar (database versions not stated): TOPMed 0.00001; gnomAD 0.00002 and 0.00003; gnomAD exomes 0.00002 and 0.00007; ExAC 0.00011.
gnomAD v4.1: 36 of 1,607,810 alleles (0.0022%); highest among the groups gnomAD compares: South Asian, 0.03%; no homozygotes.

Submissions (3):

PreventionGenetics, part of Exact Sciences
Classification: Uncertain significance for TTN-related condition. Last evaluated: 2026-04-14. Review status: criteria provided, single submitter. Criteria: ACMG Guidelines, 2015. Collection method: clinical testing. Allele origin: germline.
Comment: The TTN c.48781G>A variant is predicted to result in the amino acid substitution p.Asp16261Asn. To our knowledge, this variant has not been reported in the literature. This variant is reported in 0.050% of alleles in individuals of South Asian descent in gnomAD. Although we suspect that this variant may be benign, at this time, the clinical significance of this variant is uncertain due to the absence of conclusive functional and genetic evidence.

Women's Health and Genetics/Laboratory Corporation of America, LabCorp
Classification: Likely benign. Last evaluated: 2021-08-23. Review status: criteria provided, single submitter. Criteria: LabCorp Variant Classification Summary - May 2015. Collection method: clinical testing. Allele origin: germline.
Comment: Variant summary: TTN c.41077G>A (p.Asp13693Asn) results in a conservative amino acid change located in the A-band of the encoded protein sequence. Two of four in-silico tools predict a benign effect of the variant on protein function. The variant allele was found at a frequency of 6.6e-05 in 243812 control chromosomes, predominantly at a frequency of 0.0005 within the South Asian subpopulation in the gnomAD database. The observed variant frequency within South Asian control individuals in the gnomAD database is approximately 1.28 fold of the estimated maximal expected allele frequency for a pathogenic variant in TTN causing Dilated Cardiomyopathy phenotype (0.00039), strongly suggesting that the variant is a benign polymorphism found primarily in populations of South Asian origin. To our knowledge, no occurrence of c.41077G>A in individuals affected with Dilated Cardiomyopathy and no experimental evidence demonstrating its impact on protein function have been reported. One clinical diagnostic laboratory has submitted clinical-significance assessments for this variant to ClinVar after 2014 without evidence for independent evaluation. One laboratory classified the variant as likely benign. Based on the evidence outlined above, the variant was classified as likely benign.

GeneDx
Classification: Likely benign. Last evaluated: 2017-05-17. Review status: criteria provided, single submitter. Criteria: GeneDx Variant Classification (06012015). Collection method: clinical testing. Allele origin: germline. Affected: yes.
Comment: This variant is considered likely benign or benign based on one or more of the following criteria: it is a conservative change, it occurs at a poorly conserved position in the protein, it is predicted to be benign by multiple in silico algorithms, and/or has population frequency not consistent with disease.